The following is an entry in ClinVar:

NM_181332.3(NLGN4X):c.571G>A (p.Ala191Thr)

Gene: NLGN4X (neuroligin 4 X-linked; minus strand). Cytogenetic location: Xp22.32.
Variant type: single nucleotide variant.
Coding change: c.571G>A on transcript NM_181332.3 (MANE Select); coding-DNA position 571, G replaced by A.
Protein change: p.Ala191Thr; replaces alanine 191 with threonine.
Molecular consequence: missense variant.
Genome position (GRCh38, 1-based): chrX:6,029,334, C>T on the plus strand (G>A on the coding strand, the complement: NLGN4X is on the minus strand). VCF-style: chrX-6029334-C-T. GRCh37 (hg19) VCF-style: chrX-5947375-C-T.
Other names: c.571G>A, p.Ala191Thr (NM_001282145.2, NM_001282146.2, NM_001441322.1 and 4 more transcripts); short protein forms A191T.
Identifiers: ClinVar variation 5009753 (VCV005009753.1).

ClinVar aggregate classification (germline): Uncertain significance (1 of 4 stars; one submission).

Submission:

GeneDx
Classification: Uncertain significance. Last evaluated: 2026-02-18. Review status: criteria provided, single submitter. Criteria: GeneDx Variant Classification Process June 2021. Collection method: clinical testing. Allele origin: germline.
Comment: Not observed at significant frequency in large population cohorts (gnomAD); In silico analysis supports that this missense variant has a deleterious effect on protein structure/function; Has not been previously published as pathogenic or benign to our knowledge